The following is an entry in ClinVar:

NM_002474.3(MYH11):c.4220A>T (p.Gln1407Leu)

Genes: NDE1 (nudE neurodevelopment protein 1; plus strand), MYH11 (myosin heavy chain 11; minus strand). Cytogenetic location: 16p13.11.
Variant type: single nucleotide variant.
Coding change: c.4220A>T on transcript NM_002474.3 (MANE Select); coding-DNA position 4220, A replaced by T.
Protein change: p.Gln1407Leu; replaces glutamine 1407 with leucine.
Molecular consequence: missense variant. On other transcripts: 3 prime UTR variant (2).
Genome position (GRCh38, 1-based): chr16:15,724,306, T>A on the plus strand (A>T on the coding strand, the complement: MYH11 is on the minus strand). VCF-style: chr16-15724306-T-A. GRCh37 (hg19) VCF-style: chr16-15818163-T-A.
Other names: c.4241A>T, p.Gln1414Leu (NM_001040113.2, NM_001040114.2); c.*55T>A (NM_001143979.2, NM_017668.3); c.4220A>T, p.Gln1407Leu (NM_022844.3); short protein forms Q1407L, Q1414L.
Identifiers: ClinVar variation 1171753 (VCV001171753.4), dbSNP rs2151218283, ClinGen allele CA394857324.
Genomic context (GRCh38, chr16:15,724,306, plus strand): 5'-TGCTGAAGCCTGTTCTTGGTCTTTTCCAGTTTATCATAAGCGGCCGCCTTCTCCTCGTAC[T>A]GCTGGGTGAGGTTCTCGATCTCCTTCTGGAACCTCTTCTTCCCCTCTTCCAGAGCTTCCA-3'
Protein context (NP_002465.1, residues 1397-1417): FQKEIENLTQ[Gln1407Leu]YEEKAAAYDK

ClinVar aggregate classification (germline): Uncertain significance. Review status: criteria provided, multiple submitters, no conflicts (2 of 4 stars). 2 submissions from 2 submitters: Uncertain significance (2). Last evaluated 2024-04-25.

Conditions:
Familial thoracic aortic aneurysm and aortic dissection (TAAD). Also called: Thoracic aortic aneurysms and dissections. Identifiers: Orphanet 91387, MedGen C4707243, MONDO:0019625.

Submissions (2):

All of Us Research Program, National Institutes of Health
Classification: Uncertain significance for Familial thoracic aortic aneurysm and aortic dissection. Last evaluated: 2024-04-25. Review status: criteria provided, single submitter. Criteria: ACMG Guidelines, 2015. Collection method: clinical testing. Allele origin: germline. Inheritance: Autosomal dominant inheritance. Observed: 1 variant allele, 1 heterozygote.
Comment: This missense variant replaces glutamine with leucine at codon 1414 of the MYH11 protein. Computational prediction suggests that this variant may not impact protein structure and function (internally defined REVEL score threshold <= 0.5, PMID: 27666373). To our knowledge, functional studies have not been reported for this variant. This variant has not been reported in individuals affected with cardiovascular disorders in the literature. This variant has not been identified in the general population by the Genome Aggregation Database (gnomAD). The available evidence is insufficient to determine the role of this variant in disease conclusively. Therefore, this variant is classified as a Variant of Uncertain Significance.

This study involves interpretation of variants in research participants for the purpose of population health screening. Participant phenotype was not available at the time of variant classification. Additional details can be found in publication PMID: 35346344, PMCID: PMC8962531

Color Diagnostics, LLC DBA Color Health
Classification: Uncertain significance for Familial thoracic aortic aneurysm and aortic dissection. Last evaluated: 2024-03-06. Review status: criteria provided, single submitter. Criteria: ACMG Guidelines, 2015. Collection method: clinical testing. Allele origin: germline.
Comment: This missense variant replaces glutamine with leucine at codon 1414 of the MYH11 protein. Computational prediction suggests that this variant may not impact protein structure and function (internally defined REVEL score threshold <= 0.5, PMID: 27666373). To our knowledge, functional studies have not been reported for this variant. This variant has not been reported in individuals affected with cardiovascular disorders in the literature. This variant has not been identified in the general population by the Genome Aggregation Database (gnomAD). The available evidence is insufficient to determine the role of this variant in disease conclusively. Therefore, this variant is classified as a Variant of Uncertain Significance.